The following is an entry in ClinVar:

ClinVar aggregate classification (germline): Likely pathogenic (1 of 4 stars; one submission).

Conditions:
Sideroblastic anemia 2. Also called: Anemia, sideroblastic, 2, pyridoxine-refractory. Identifiers: Orphanet 260305, MedGen C4225425, MONDO:0008785, OMIM 205950.

Allele frequency attached by ClinVar (database versions not stated): gnomAD exomes below 0.00001.
gnomAD v4.1: 1 of 1,614,006 alleles (0.000062%); highest among the groups gnomAD compares: South Asian, 0.0011%; no homozygotes.

Submission:

Division Of Personalized Genomic Medicine, Columbia University Irving Medical Center
Classification: Likely pathogenic for Sideroblastic anemia 2. Last evaluated: 2021-03-25. Review status: criteria provided, single submitter. Criteria: ACMG Guidelines, 2015. Collection method: clinical testing. Allele origin: germline. Inheritance: Autosomal recessive inheritance. Affected: no. Observed: 1 heterozygote.
Comment: The c.793-1G>C variant is predicted to interfere with the splicing at the acceptor site of intron 6–exon 7 junction (total 7 coding exons) and disrupt the mitochondrial carrier protein domain. This variant is absent from the gnomAD database, indicating that it is not a common benign variant in the populations represented therein. This variant has not been reported in the medical literature or any human disease variant databases. However pathogenic disruptive variants, including one frameshift deletion and one nonsense variant, have been reported in association with autosomal recessive sideroblastic anemia 2 (PMID: 19412178, 29499877).

Literature cited by the submitters: PubMed 19412178; PubMed 29499877.

NM_017875.4(SLC25A38):c.793-1G>C

Gene: SLC25A38 (solute carrier family 25 member 38; plus strand). Cytogenetic location: 3p22.1.
Variant type: single nucleotide variant.
Coding change: c.793-1G>C on transcript NM_017875.4 (MANE Select); the canonical splice acceptor site of the intron before coding-DNA position 793, G replaced by C.
Molecular consequence: splice acceptor variant.
Genome position (GRCh38, 1-based): chr3:39,396,397, G>C. VCF-style: chr3-39396397-G-C. GRCh37 (hg19) VCF-style: chr3-39437888-G-C.
Other names: c.626-1G>C (NM_001354798.2).
Identifiers: ClinVar variation 2674613 (VCV002674613.2), dbSNP rs2470562327, ClinGen allele CA352207003.
Genomic context (GRCh38, chr3:39,396,397, plus strand): 5'-GTGGATAATTAATTGTATTGCTACTTTGCTTCCAGAGTTCTGACATTTATTTTCACCATA[G>C]GACTATGGACTACGTGGCTTCTTCCAAGGTGGCATCCCCCGAGCCCTCCGCAGAACTCTA-3'